The following is an entry in ClinVar:

NM_004393.6(DAG1):c.2406C>T (p.Asp802=)

Gene: DAG1 (dystroglycan 1; plus strand). Cytogenetic location: 3p21.31.
Variant type: single nucleotide variant.
Coding change: c.2406C>T on transcript NM_004393.6 (MANE Select); coding-DNA position 2406, C replaced by T.
Protein change: p.Asp802=; no amino-acid change (aspartic acid 802 retained).
Molecular consequence: synonymous variant.
Genome position (GRCh38, 1-based): chr3:49,532,917, C>T. VCF-style: chr3-49532917-C-T. GRCh37 (hg19) VCF-style: chr3-49570350-C-T.
Other names: c.2406C>T, p.Asp802= (NM_001165928.4, NM_001177634.3, NM_001177635.3 and 9 more transcripts); c.2406C>T (NM_001165928.3, NM_004393.4).
Identifiers: ClinVar variation 389428 (VCV000389428.17), dbSNP rs146134719, ClinGen allele CA2399257.
Genomic context (GRCh38, chr3:49,532,917, plus strand): 5'-GCTTACCCTTGAGGACCAGGCCACCTTCATCAAGAAGGGGGTGCCTATCATCTTTGCAGA[C>T]GAACTGGACGACTCCAAGCCCCCACCCTCCTCCAGCATGCCACTCATTCTGCAGGAGGAG-3'
Protein context (NP_004384.5, residues 792-812): IKKGVPIIFA[Asp802=]ELDDSKPPPS

ClinVar aggregate classification (germline): Likely benign. Review status: criteria provided, multiple submitters, no conflicts (2 of 4 stars). 5 submissions from 5 submitters: Likely benign (4). 1 of the submissions does not count toward it. Last evaluated 2025-12-10.

Conditions:
Inborn genetic diseases. Identifiers: MedGen C0950123, MeSH D030342.
DAG1-related disorder. Also called: DAG1-related condition.
Muscular dystrophy-dystroglycanopathy (congenital with brain and eye anomalies), type A9. Also called: WALKER-WARBURG SYNDROME OR MUSCLE-EYE BRAIN DISEASE, DAG1-RELATED; Muscular dystrophy-dystroglycanopathy (congenital with brain and eye anomalies), type a, 9. Identifiers: Orphanet 370997, Orphanet 899, MedGen C4225291, MONDO:0014683, OMIM 616538.
Autosomal recessive limb-girdle muscular dystrophy type 2P. Also called: Limb-Girdle Muscular Dystrophy Type 9C; MUSCULAR DYSTROPHY, LIMB-GIRDLE, TYPE 2P; MUSCULAR DYSTROPHY-DYSTROGLYCANOPATHY, LIMB-GIRDLE, DAG1-RELATED. Identifiers: Orphanet 280333, MedGen C4511963, MONDO:0013440, OMIM 613818.

Allele frequency attached by ClinVar (database versions not stated): gnomAD 0.00005 and 0.00007; ExAC 0.00012; TOPMed 0.00012; ESP Exome Variant Server 0.00015; gnomAD exomes 0.00015; 1000 Genomes Project 0.00060; 1000 Genomes Project 30x 0.00078.

Submissions (5):

Labcorp Genetics (formerly Invitae), Labcorp
Classification: Likely benign for Autosomal recessive limb-girdle muscular dystrophy type 2P; Muscular dystrophy-dystroglycanopathy (congenital with brain and eye anomalies), type A9. Last evaluated: 2025-12-10. Review status: criteria provided, single submitter. Criteria: Invitae Variant Classification Sherloc (09022015). Collection method: clinical testing. Allele origin: germline.

CeGaT Center for Human Genetics Tuebingen
Classification: Likely benign. Last evaluated: 2025-11-01. Review status: criteria provided, single submitter. Criteria: CeGaT Center For Human Genetics Tuebingen Variant Classification Criteria Version 2. Collection method: clinical testing. Allele origin: germline. Affected: yes. Observed: 1 variant allele.
Comment: DAG1: BP4, BP7

Ambry Genetics
Classification: Likely benign for Inborn genetic diseases. Last evaluated: 2024-05-28. Review status: criteria provided, single submitter. Criteria: Ambry Variant Classification Scheme 2023. Collection method: clinical testing. Allele origin: germline.

GeneDx
Classification: Likely benign. Last evaluated: 2016-10-05. Review status: criteria provided, single submitter. Criteria: GeneDx Variant Classification (06012015). Collection method: clinical testing. Allele origin: germline. Affected: yes.
Comment: This variant is considered likely benign or benign based on one or more of the following criteria: it is a conservative change, it occurs at a poorly conserved position in the protein, it is predicted to be benign by multiple in silico algorithms, and/or has population frequency not consistent with disease.

PreventionGenetics, part of Exact Sciences
Classification: Likely benign for DAG1-related condition. Last evaluated: 2019-08-20. Review status: no assertion criteria provided. Collection method: clinical testing. Allele origin: germline. Not counted in ClinVar's aggregate classification.
Comment: This variant is classified as likely benign based on ACMG/AMP sequence variant interpretation guidelines (Richards et al. 2015 PMID: 25741868, with internal and published modifications).